The following is an entry in ClinVar:

NM_000180.4(GUCY2D):c.2071del (p.Leu691fs)

Gene: GUCY2D (guanylate cyclase 2D, retinal; plus strand). Cytogenetic location: 17p13.1.
Variant type: Deletion.
Coding change: c.2071del on transcript NM_000180.4 (MANE Select); coding-DNA position 2071, one base deleted (C; older notation c.2071delC).
Protein change: p.Leu691fs; shifts the reading frame from leucine 691.
Molecular consequence: frameshift variant.
Genome position (GRCh38, 1-based): chr17:8,012,564, C deleted. VCF-style (leftmost placement, unchanged base first): chr17-8012563-GC-G. GRCh37 (hg19) VCF-style: chr17-7915881-GC-G.
Other names: short protein forms L691fs.
Identifiers: ClinVar variation 3383016 (VCV003383016.2).

ClinVar aggregate classification (germline): Pathogenic (1 of 4 stars; one submission).

Conditions:
Choroidal dystrophy, central areolar, 1. Identifiers: Orphanet 75377, MedGen C4551884, MONDO:0024539, OMIM 215500.
Night blindness, congenital stationary, type1i. Also called: NIGHT BLINDNESS, CONGENITAL STATIONARY, TYPE 1I. Identifiers: MedGen C5231408, MONDO:0032811, OMIM 618555.
Leber congenital amaurosis 1 (LCA1). Also called: AMAUROSIS CONGENITA OF LEBER I; RETINAL BLINDNESS, CONGENITAL; Congenital absence of the rods and cones; Leber's congenital tapetoretinal degeneration; Leber's congenital tapetoretinal dysplasia. Identifiers: Orphanet 65, MedGen C2931258, MONDO:0008764, OMIM 204000.
Cone-rod dystrophy 6 (CORD6). Also called: RETINAL CONE DYSTROPHY 2; Cone dystrophy progressive. Identifiers: Orphanet 1872, MedGen C1866293, MONDO:0011143, OMIM 601777.

Submission:

Juno Genomics, Hangzhou Juno Genomics, Inc
Classification: Pathogenic for Choroidal dystrophy, central areolar, 1; Cone-rod dystrophy 6; Leber congenital amaurosis 1; Night blindness, congenital stationary, type1i. Review status: criteria provided, single submitter. Criteria: ACMG Guidelines, 2015. Collection method: clinical testing. Allele origin: germline. Affected: yes.
Comment: Null variant in a gene where loss of function (LOF) is a known mechanism of disease.;Absent from controls (or at extremely low frequency if recessive) in Genome Aggregation Database, Exome Sequencing Project, 1000 Genomes Project, or Exome Aggregation Consortium.;For recessive disorders, detected in trans with a pathogenic variant.